The following is an entry in ClinVar:

NM_000208.4(INSR):c.15C>G (p.Gly5=)

Gene: INSR (insulin receptor; minus strand). Cytogenetic location: 19p13.2.
Variant type: single nucleotide variant.
Coding change: c.15C>G on transcript NM_000208.4 (MANE Select); coding-DNA position 15, C replaced by G.
Protein change: p.Gly5=; no amino-acid change (glycine 5 retained).
Molecular consequence: synonymous variant.
Genome position (GRCh38, 1-based): chr19:7,293,877, G>C on the plus strand (C>G on the coding strand, the complement: INSR is on the minus strand). VCF-style: chr19-7293877-G-C. GRCh37 (hg19) VCF-style: chr19-7293888-G-C.
Other names: c.15C>G, p.Gly5= (NM_001079817.3).
Identifiers: ClinVar variation 3687592 (VCV003687592.9).

ClinVar aggregate classification (germline): Likely benign. Review status: criteria provided, multiple submitters, no conflicts (2 of 4 stars). 2 submissions from 2 submitters: Likely benign (2). Last evaluated 2025-09-01.

gnomAD v4.1: 24 of 1,235,720 alleles (0.0019%); highest among the groups gnomAD compares: Non-Finnish European, 0.0024%; no homozygotes.

Submissions (2):

CeGaT Center for Human Genetics Tuebingen
Classification: Likely benign. Last evaluated: 2025-09-01. Review status: criteria provided, single submitter. Criteria: CeGaT Center For Human Genetics Tuebingen Variant Classification Criteria Version 2. Collection method: clinical testing. Allele origin: germline. Affected: yes. Observed: 1 variant allele.
Comment: INSR: BP4, BP7

Labcorp Genetics (formerly Invitae), Labcorp
Classification: Likely benign. Last evaluated: 2024-12-30. Review status: criteria provided, single submitter. Criteria: Invitae Variant Classification Sherloc (09022015). Collection method: clinical testing. Allele origin: germline.